The following is an entry in ClinVar:

ClinVar aggregate classification (germline): Uncertain significance (1 of 4 stars; one submission).

Submission:

Labcorp Genetics (formerly Invitae), Labcorp
Classification: Uncertain significance. Last evaluated: 2024-03-21. Review status: criteria provided, single submitter. Criteria: Invitae Variant Classification Sherloc (09022015). Collection method: clinical testing. Allele origin: germline.
Comment: This sequence change replaces arginine, which is basic and polar, with histidine, which is basic and polar, at codon 5 of the GSN protein (p.Arg5His). This variant is present in population databases (no rsID available, gnomAD 0.01%). This variant has not been reported in the literature in individuals affected with GSN-related conditions. ClinVar contains an entry for this variant (Variation ID: 2020843). Algorithms developed to predict the effect of missense changes on protein structure and function output the following: SIFT: "Not Available"; PolyPhen-2: "Benign"; Align-GVGD: "Not Available". The histidine amino acid residue is found in multiple mammalian species, which suggests that this missense change does not adversely affect protein function. In summary, the available evidence is currently insufficient to determine the role of this variant in disease. Therefore, it has been classified as a Variant of Uncertain Significance.

NM_198252.3(GSN):c.-9-2088G>A

Gene: GSN (gelsolin; plus strand). Cytogenetic location: 9q33.2.
Variant type: single nucleotide variant.
Coding change: c.-9-2088G>A on transcript NM_198252.3 (MANE Select); 2088 bases into the intron before 9 bases upstream of the start codon, G replaced by A.
Molecular consequence: intron variant. On other transcripts: missense variant (1).
Genome position (GRCh38, 1-based): chr9:121,299,875, G>A. VCF-style: chr9-121299875-G-A. GRCh37 (hg19) VCF-style: chr9-124062153-G-A.
Other names: c.14G>A, p.Arg5His (NM_000177.5); c.-9-2088G>A (NM_001353054.1, NM_001353053.1, NM_001353060.2 and 5 more transcripts); c.-47-181G>A (NM_001353064.2, NM_001353066.2, NM_001353072.2 and 7 more transcripts); c.-1-2096G>A (NM_001353058.2, NM_001353059.2, NM_001353056.2 and 1 more transcripts); c.-38-190G>A (NM_001353073.2, NM_001353065.2, NM_001353068.2 and 2 more transcripts); c.100-2088G>A (NM_001127663.2); c.-32-196G>A (NM_001353070.2); c.-48-2049G>A (NM_001353055.2); and 4 more; short protein forms R5H.
Identifiers: ClinVar variation 2020843 (VCV002020843.4), dbSNP rs749593959, ClinGen allele CA374751369.
Genomic context (GRCh38, chr9:121,299,875, plus strand): 5'-ACCCGAGGCCGCGGCTGCCGACTGGGTCCCCTGCCGCTGTCGCCACCATGGCTCCGCACC[G>A]CCCCGCGCCCGCGCTGCTTTGCGCGCTGTCCCTGGCGCTGTGCGCGCTGTCGCTGCCCGT-3'